The following is an entry in ClinVar:

ClinVar aggregate classification (germline): Uncertain significance (1 of 4 stars; one submission).

Conditions:
Gastrointestinal stromal tumor. Also called: Gastrointestinal stromal tumor, somatic; Gastrointestinal stroma tumor. Identifiers: Orphanet 44890, MedGen C0238198, MeSH D046152, MONDO:0011719, OMIM 606764, HP:0100723.

Submission:

Labcorp Genetics (formerly Invitae), Labcorp
Classification: Uncertain significance for Gastrointestinal stromal tumor. Last evaluated: 2023-10-14. Review status: criteria provided, single submitter. Criteria: Invitae Variant Classification Sherloc (09022015). Collection method: clinical testing. Allele origin: germline.
Comment: This sequence change replaces lysine, which is basic and polar, with glutamic acid, which is acidic and polar, at codon 226 of the PDGFRA protein (p.Lys226Glu). This variant is not present in population databases (gnomAD no frequency). This variant has not been reported in the literature in individuals affected with PDGFRA-related conditions. Advanced modeling of protein sequence and biophysical properties (such as structural, functional, and spatial information, amino acid conservation, physicochemical variation, residue mobility, and thermodynamic stability) performed at Invitae indicates that this missense variant is not expected to disrupt PDGFRA protein function. In summary, the available evidence is currently insufficient to determine the role of this variant in disease. Therefore, it has been classified as a Variant of Uncertain Significance.

NM_006206.6(PDGFRA):c.676A>G (p.Lys226Glu)

Gene: PDGFRA (platelet derived growth factor receptor alpha; plus strand). Cytogenetic location: 4q12.
Variant type: single nucleotide variant.
Coding change: c.676A>G on transcript NM_006206.6 (MANE Select); coding-DNA position 676, A replaced by G.
Protein change: p.Lys226Glu; replaces lysine 226 with glutamic acid.
Molecular consequence: missense variant.
Genome position (GRCh38, 1-based): chr4:54,264,966, A>G. VCF-style: chr4-54264966-A-G. GRCh37 (hg19) VCF-style: chr4-55131133-A-G.
Other names: c.676A>G, p.Lys226Glu (NM_001347827.2, NM_001347829.2); c.751A>G, p.Lys251Glu (NM_001347828.2); c.715A>G, p.Lys239Glu (NM_001347830.2); short protein forms K239E, K251E, K226E.
Identifiers: ClinVar variation 2768175 (VCV002768175.3), dbSNP rs2110257846, ClinGen allele CA356890853.